The following is an entry in ClinVar:

NM_020884.7(MYH7B):c.4922G>A (p.Arg1641His)

Gene: MYH7B (myosin heavy chain 7B; plus strand). Cytogenetic location: 20q11.22.
Variant type: single nucleotide variant.
Coding change: c.4922G>A on transcript NM_020884.7 (MANE Select); coding-DNA position 4922, G replaced by A.
Protein change: p.Arg1641His; replaces arginine 1641 with histidine.
Molecular consequence: missense variant.
Genome position (GRCh38, 1-based): chr20:35,000,433, G>A. VCF-style: chr20-35000433-G-A. GRCh37 (hg19) VCF-style: chr20-33588236-G-A.
Other names: short protein forms R1641H.
Identifiers: ClinVar variation 2373563 (VCV002373563.6), dbSNP rs550342770, ClinGen allele CA9828371.

ClinVar aggregate classification (germline): Uncertain significance. Review status: criteria provided, multiple submitters, no conflicts (2 of 4 stars). 2 submissions from 2 submitters: Uncertain significance (2). Last evaluated 2025-02-22.

Allele frequency attached by ClinVar (database versions not stated): gnomAD 0.00001; gnomAD exomes 0.00003; TOPMed 0.00003; ExAC 0.00006; 1000 Genomes Project 30x 0.00016; 1000 Genomes Project 0.00040.
gnomAD v4.1: 42 of 1,601,828 alleles (0.0026%); highest among the groups gnomAD compares: Admixed American, 0.01%; no homozygotes.

Submissions (2):

Ambry Genetics
Classification: Uncertain significance. Last evaluated: 2025-02-22. Review status: criteria provided, single submitter. Criteria: Ambry Variant Classification Scheme 2023. Collection method: clinical testing. Allele origin: germline.

Labcorp Genetics (formerly Invitae), Labcorp
Classification: Uncertain significance. Last evaluated: 2024-11-07. Review status: criteria provided, single submitter. Criteria: Invitae Variant Classification Sherloc (09022015). Collection method: clinical testing. Allele origin: germline.
Comment: This sequence change replaces arginine, which is basic and polar, with histidine, which is basic and polar, at codon 1683 of the MYH7B protein (p.Arg1683His). This variant is present in population databases (rs550342770, gnomAD 0.01%). This variant has not been reported in the literature in individuals affected with MYH7B-related conditions. ClinVar contains an entry for this variant (Variation ID: 2373563). Invitae Evidence Modeling of protein sequence and biophysical properties (such as structural, functional, and spatial information, amino acid conservation, physicochemical variation, residue mobility, and thermodynamic stability) indicates that this missense variant is expected to disrupt MYH7B protein function with a positive predictive value of 80%. In summary, the available evidence is currently insufficient to determine the role of this variant in disease. Therefore, it has been classified as a Variant of Uncertain Significance.